The following is an entry in ClinVar:

ClinVar aggregate classification (germline): Benign/Likely benign. Review status: criteria provided, multiple submitters, no conflicts (2 of 4 stars). 5 submissions from 5 submitters: Benign (1); Likely benign (3). 1 of the submissions does not count toward it. Last evaluated 2026-01-27.

Conditions:
Cardiomyopathy (CMYO). Also called: Cardiomyopathies. Identifiers: Orphanet 167848, MedGen C0878544, MONDO:0004994, HP:0001638. Inheritance: Various modes of inheritance.
MYLK2-related disorder. Also called: MYLK2-related condition.
Hypertrophic cardiomyopathy 1 (CMH1). Also called: MYH7-Related Familial Hypertrophic Cardiomyopathy; Familial hypertrophic cardiomyopathy 1. Identifiers: MedGen C3495498, MONDO:0008647, OMIM 192600.

Allele frequency attached by ClinVar (database versions not stated): ExAC 0.00004; gnomAD exomes 0.00005 and 0.00014; TOPMed 0.00007; gnomAD 0.00009; 1000 Genomes Project 30x 0.00016; 1000 Genomes Project 0.00020; ESP Exome Variant Server 0.00023.
gnomAD v4.1: 220 of 1,614,088 alleles (0.014%); highest among the groups gnomAD compares: Non-Finnish European, 0.017%; no homozygotes.

Submissions (5):

Labcorp Genetics (formerly Invitae), Labcorp
Classification: Likely benign for Hypertrophic cardiomyopathy 1. Last evaluated: 2026-01-27. Review status: criteria provided, single submitter. Criteria: Invitae Variant Classification Sherloc (09022015). Collection method: clinical testing. Allele origin: germline.

Women's Health and Genetics/Laboratory Corporation of America, LabCorp
Classification: Benign. Last evaluated: 2025-04-22. Review status: criteria provided, single submitter. Criteria: LabCorp Variant Classification Summary - May 2015. Collection method: clinical testing. Allele origin: germline.

Ambry Genetics
Classification: Likely benign. Last evaluated: 2023-03-27. Review status: criteria provided, single submitter. Criteria: Ambry Variant Classification Scheme 2023. Collection method: clinical testing. Allele origin: germline.

CHEO Genetics Diagnostic Laboratory, Children's Hospital of Eastern Ontario
Classification: Likely benign for Cardiomyopathy. Last evaluated: 2019-10-28. Review status: criteria provided, single submitter. Criteria: ACMG Guidelines, 2015. Collection method: clinical testing. Allele origin: germline.

PreventionGenetics, part of Exact Sciences
Classification: Likely benign for MYLK2-related condition. Last evaluated: 2019-11-26. Review status: no assertion criteria provided. Collection method: clinical testing. Allele origin: germline. Not counted in ClinVar's aggregate classification.
Comment: This variant is classified as likely benign based on ACMG/AMP sequence variant interpretation guidelines (Richards et al. 2015 PMID: 25741868, with internal and published modifications).

NM_033118.4(MYLK2):c.987G>A (p.Leu329=)

Gene: MYLK2 (myosin light chain kinase 2; plus strand). Cytogenetic location: 20q11.21.
Variant type: single nucleotide variant.
Coding change: c.987G>A on transcript NM_033118.4 (MANE Select); coding-DNA position 987, G replaced by A.
Protein change: p.Leu329=; no amino-acid change (leucine 329 retained).
Molecular consequence: synonymous variant.
Genome position (GRCh38, 1-based): chr20:31,826,619, G>A. VCF-style: chr20-31826619-G-A. GRCh37 (hg19) VCF-style: chr20-30414422-G-A.
Identifiers: ClinVar variation 1131734 (VCV001131734.16), dbSNP rs200155693, ClinGen allele CA9803077.